The following is an entry in ClinVar:

NM_004168.4(SDHA):c.1639A>C (p.Lys547Gln)

Gene: SDHA (succinate dehydrogenase complex flavoprotein subunit A; plus strand). Cytogenetic location: 5p15.33.
Variant type: single nucleotide variant.
Coding change: c.1639A>C on transcript NM_004168.4 (MANE Select); coding-DNA position 1639, A replaced by C.
Protein change: p.Lys547Gln; replaces lysine 547 with glutamine.
Molecular consequence: missense variant. On other transcripts: intron variant (1).
Genome position (GRCh38, 1-based): chr5:251,079, A>C. VCF-style: chr5-251079-A-C. GRCh37 (hg19) VCF-style: chr5-251194-A-C.
Other names: c.1552-3314A>C (NM_001330758.2); c.1495A>C, p.Lys499Gln (NM_001294332.2); c.1639A>C (NM_004168.3, NM_004168.2); short protein forms K499Q, K547Q.
Identifiers: ClinVar variation 2153130 (VCV002153130.6), dbSNP rs1221826146, ClinGen allele CA358998800.

ClinVar aggregate classification (germline): Conflicting classifications of pathogenicity. Review status: criteria provided, conflicting classifications (1 of 4 stars). 3 submissions from 3 submitters: Uncertain significance (2); Likely benign (1). Last evaluated 2025-12-23.

Conditions:
Mitochondrial complex II deficiency, nuclear type 1. Also called: SUCCINATE CoQ REDUCTASE DEFICIENCY. Identifiers: Orphanet 3208, MedGen C5700310, MONDO:0100294, OMIM 252011.
Pheochromocytoma/paraganglioma syndrome 5. Also called: Paragangliomas 5; SDHA-Related Hereditary Paraganglioma-Pheochromocytoma Syndrome. Identifiers: Orphanet 29072, MedGen C3279992, MONDO:0013602, OMIM 614165.
Hereditary cancer-predisposing syndrome. Also called: Hereditary Cancer Syndrome; Neoplastic Syndromes, Hereditary; Tumor predisposition; Hereditary neoplastic syndrome. Identifiers: Orphanet 140162, MedGen C0027672, MeSH D009386, MONDO:0015356.

Allele frequency attached by ClinVar (database versions not stated): gnomAD exomes below 0.00001; TOPMed 0.00002; gnomAD 0.00003.

Submissions (3):

Labcorp Genetics (formerly Invitae), Labcorp
Classification: Uncertain significance for Pheochromocytoma/paraganglioma syndrome 5; Mitochondrial complex II deficiency, nuclear type 1. Last evaluated: 2025-12-23. Review status: criteria provided, single submitter. Criteria: Invitae Variant Classification Sherloc (09022015). Collection method: clinical testing. Allele origin: germline.
Comment: This sequence change replaces lysine, which is basic and polar, with glutamine, which is neutral and polar, at codon 547 of the SDHA protein (p.Lys547Gln). This variant is present in population databases (no rsID available, gnomAD 0.006%). This variant has not been reported in the literature in individuals affected with SDHA-related conditions. ClinVar contains an entry for this variant (Variation ID: 2153130). Invitae Evidence Modeling of protein sequence and biophysical properties (such as structural, functional, and spatial information, amino acid conservation, physicochemical variation, residue mobility, and thermodynamic stability) indicates that this missense variant is not expected to disrupt SDHA protein function with a negative predictive value of 95%. In summary, the available evidence is currently insufficient to determine the role of this variant in disease. Therefore, it has been classified as a Variant of Uncertain Significance.

Ambry Genetics
Classification: Uncertain significance for Hereditary cancer-predisposing syndrome. Last evaluated: 2025-09-24. Review status: criteria provided, single submitter. Criteria: Ambry Variant Classification Scheme 2023. Collection method: clinical testing. Allele origin: germline.
Comment: The p.K547Q variant (also known as c.1639A>C), located in coding exon 12 of the SDHA gene, results from an A to C substitution at nucleotide position 1639. The lysine at codon 547 is replaced by glutamine, an amino acid with similar properties. This amino acid position is not well conserved in available vertebrate species. In addition, this alteration is predicted to be tolerated by in silico analysis. Based on the available evidence, the clinical significance of this variant remains unclear.

Quest Diagnostics Nichols Institute San Juan Capistrano
Classification: Likely benign. Last evaluated: 2022-12-07. Review status: criteria provided, single submitter. Criteria: Quest Diagnostics criteria. Collection method: clinical testing. Allele origin: unknown.

Literature cited by the submitters: PubMed 32694775 (cited by Quest Diagnostics Nichols Institute San Juan Capistrano).